The following is an entry in ClinVar:

ClinVar aggregate classification (germline): Likely benign. Review status: criteria provided, single submitter (1 of 4 stars). 2 submissions from 2 submitters: Likely benign (1). 1 of the submissions does not count toward it. Last evaluated 2025-09-15.

Conditions:
AHDC1-related disorder. Also called: AHDC1-related condition.

Allele frequency attached by ClinVar (database versions not stated): gnomAD exomes below 0.00001.
gnomAD v4.1: 1 of 1,613,612 alleles (0.000062%); highest among the groups gnomAD compares: Non-Finnish European, 0.000085%; no homozygotes.

Submissions (2):

Labcorp Genetics (formerly Invitae), Labcorp
Classification: Likely benign. Last evaluated: 2025-09-15. Review status: criteria provided, single submitter. Criteria: Invitae Variant Classification Sherloc (09022015). Collection method: clinical testing. Allele origin: germline.

PreventionGenetics, part of Exact Sciences
Classification: Uncertain significance for AHDC1-related condition. Last evaluated: 2024-03-04. Review status: no assertion criteria provided. Collection method: clinical testing. Allele origin: germline. Not counted in ClinVar's aggregate classification.
Comment: The AHDC1 c.2285G>A variant is predicted to result in the amino acid substitution p.Gly762Glu. To our knowledge, this variant has not been reported in the literature or in a large population database, indicating this variant is rare. At this time, the clinical significance of this variant is uncertain due to the absence of conclusive functional and genetic evidence.

NM_001371928.1(AHDC1):c.2285G>A (p.Gly762Glu)

Gene: AHDC1 (AT-hook DNA binding motif containing 1; minus strand). Cytogenetic location: 1p36.11.
Variant type: single nucleotide variant.
Coding change: c.2285G>A on transcript NM_001371928.1 (MANE Select); coding-DNA position 2285, G replaced by A.
Protein change: p.Gly762Glu; replaces glycine 762 with glutamic acid.
Molecular consequence: missense variant.
Genome position (GRCh38, 1-based): chr1:27,549,831, C>T on the plus strand (G>A on the coding strand, the complement: AHDC1 is on the minus strand). VCF-style: chr1-27549831-C-T. GRCh37 (hg19) VCF-style: chr1-27876342-C-T.
Other names: c.2285G>A, p.Gly762Glu (NM_001029882.3); short protein forms G762E.
Identifiers: ClinVar variation 1982087 (VCV001982087.5), dbSNP rs2019425789, ClinGen allele CA339232223.